The following is an entry in ClinVar:

ClinVar aggregate classification (germline): Uncertain significance (1 of 4 stars; one submission).

Submission:

Dasa
Classification: Uncertain significance. Last evaluated: 2025-11-19. Review status: criteria provided, single submitter. Criteria: DASA Assertion Criteria. Collection method: clinical testing. Allele origin: germline.
Comment: NM_138927.4(SON):c.3643G>A (p.Val1215Met) is a missense variant that results in the substitution of valine with methionine. This variant is absent from population databases. Computational prediction algorithms are consistent with a benign effect. The currently available literature and clinical evidence are not sufficient to establish a definitive association between this variant and the reported condition. Therefore, this variant is classified as a variant of uncertain significance.

NM_138927.4(SON):c.3643G>A (p.Val1215Met)

Gene: SON (SON DNA and RNA binding protein; plus strand). Cytogenetic location: 21q22.11.
Variant type: single nucleotide variant.
Coding change: c.3643G>A on transcript NM_138927.4 (MANE Select); coding-DNA position 3643, G replaced by A.
Protein change: p.Val1215Met; replaces valine 1215 with methionine.
Molecular consequence: missense variant. On other transcripts: non-coding transcript variant (1), intron variant (1).
Genome position (GRCh38, 1-based): chr21:33,552,874, G>A. VCF-style: chr21-33552874-G-A. GRCh37 (hg19) VCF-style: chr21-34925180-G-A.
Other names: c.3643G>A, p.Val1215Met (NM_001291411.2, NM_032195.3); c.245-4282G>A (NM_001291412.3); short protein forms V1215M.
Identifiers: ClinVar variation 4886200 (VCV004886200.2).